The following is an entry in ClinVar:

ClinVar aggregate classification (germline): Likely benign (1 of 4 stars; one submission).

gnomAD v4.1: 4 of 1,613,728 alleles (0.00025%); highest among the groups gnomAD compares: Non-Finnish European, 0.00034%; no homozygotes.

Submission:

CeGaT Center for Human Genetics Tuebingen
Classification: Likely benign. Last evaluated: 2026-05-01. Review status: criteria provided, single submitter. Criteria: CeGaT Center For Human Genetics Tuebingen Variant Classification Criteria Version 2. Collection method: clinical testing. Allele origin: germline. Affected: yes. Observed: 1 variant allele.
Comment: ZNF280B: BP4, BP7

NM_080764.4(ZNF280B):c.1395C>T (p.Cys465=)

Genes: IGL (immunoglobulin lambda locus; plus strand), ZNF280B (zinc finger protein 280B; minus strand). Cytogenetic location: 22q11.22.
Variant type: single nucleotide variant.
Coding change: c.1395C>T on transcript NM_080764.4 (MANE Select); coding-DNA position 1395, C replaced by T.
Protein change: p.Cys465=; no amino-acid change (cysteine 465 retained).
Molecular consequence: synonymous variant. On other transcripts: non-coding transcript variant (1).
Genome position (GRCh38, 1-based): chr22:22,488,004, G>A on the plus strand (C>T on the coding strand, the complement: ZNF280B is on the minus strand). VCF-style: chr22-22488004-G-A. GRCh37 (hg19) VCF-style: chr22-22842329-G-A.
Identifiers: ClinVar variation 4872767 (VCV004872767.2).